The following is an entry in ClinVar:

ClinVar aggregate classification (germline): Conflicting classifications of pathogenicity. Review status: criteria provided, conflicting classifications (1 of 4 stars). 3 submissions from 3 submitters: Uncertain significance (1); Likely benign (1). 1 of the submissions does not count toward it. Last evaluated 2024-02-20.

Conditions:
Methylcobalamin deficiency type cblE (HMAE). Also called: HOMOCYSTINURIA-MEGALOBLASTIC ANEMIA, cblE COMPLEMENTATION TYPE; HOMOCYSTINURIA-MEGALOBLASTIC ANEMIA, cblE TYPE; VITAMIN B12-RESPONSIVE HOMOCYSTINURIA, cblE TYPE. Identifiers: Orphanet 2169, Orphanet 622, MedGen C1856057, MONDO:0009354, OMIM 236270.

Allele frequency attached by ClinVar (database versions not stated): TOPMed 0.00002; gnomAD exomes 0.00003 and 0.00004; ExAC 0.00005; gnomAD 0.00001.
gnomAD v4.1: 46 of 1,613,720 alleles (0.0029%); highest among the groups gnomAD compares: South Asian, 0.0066%; no homozygotes.

Submissions (3):

Labcorp Genetics (formerly Invitae), Labcorp
Classification: Likely benign for Methylcobalamin deficiency type cblE. Last evaluated: 2024-02-20. Review status: criteria provided, single submitter. Criteria: Invitae Variant Classification Sherloc (09022015). Collection method: clinical testing. Allele origin: germline.

GeneDx
Classification: Uncertain significance. Last evaluated: 2016-12-22. Review status: criteria provided, single submitter. Criteria: GeneDx Variant Classification (06012015). Collection method: clinical testing. Allele origin: germline. Affected: yes.
Comment: The c.1086 G>A variant has not been published as a pathogenic variant, nor has it been reported as a benign variant to our knowledge. The c.1086 G>A variant was not observed in approximately 6500 individuals of European and African American ancestry in the NHLBI Exome Sequencing Project, indicating it is not a common benign variant in these populations. This substitution occurs at a position that is not conserved. In-silico splice prediction models are not informative as to whether or not the c.1086 G>A variant affects normal gene splicing, and in the absence of RNA/functional studies, the effect of this sequence change in this individual is unknown. In summary, based on the currently available information, it is unclear whether this variant is a pathogenic variant or a rare benign variant.

Natera, Inc.
Classification: Uncertain significance for CblE complementation type homocystinuria-megaloblastic anemia due to defect in cobalamin metabolism. Last evaluated: 2019-11-11. Review status: no assertion criteria provided. Collection method: clinical testing. Allele origin: germline. Not counted in ClinVar's aggregate classification.

NM_002454.3(MTRR):c.1086G>A (p.Ala362=)

Gene: MTRR (5-methyltetrahydrofolate-homocysteine methyltransferase reductase; plus strand). Cytogenetic location: 5p15.31.
Variant type: single nucleotide variant.
Coding change: c.1086G>A on transcript NM_002454.3 (MANE Select); coding-DNA position 1086, G replaced by A.
Protein change: p.Ala362=; no amino-acid change (alanine 362 retained).
Molecular consequence: synonymous variant. On other transcripts: non-coding transcript variant (12).
Genome position (GRCh38, 1-based): chr5:7,886,643, G>A. VCF-style: chr5-7886643-G-A. GRCh37 (hg19) VCF-style: chr5-7886756-G-A.
Other names: c.1086G>A, p.Ala362= (NM_001364442.2, NM_024010.4, NM_001364440.2 and 1 more transcripts).
Identifiers: ClinVar variation 391670 (VCV000391670.8), dbSNP rs750381895, ClinGen allele CA3195819.